The following is an entry in ClinVar:

ClinVar aggregate classification (germline): Conflicting classifications of pathogenicity. Review status: criteria provided, conflicting classifications (1 of 4 stars). 7 submissions from 7 submitters: Uncertain significance (1); Benign (1); Likely benign (4). 1 of the submissions does not count toward it. Last evaluated 2025-05-27.

Conditions:
CDKN2A-related disorder. Also called: CDKN2A-related condition.
Familial melanoma. Also called: Hereditary melanoma; Hereditary cutaneous melanoma. Identifiers: Orphanet 618, MedGen C1512419, MONDO:0018961.
Hereditary cancer-predisposing syndrome. Also called: Neoplastic Syndromes, Hereditary; Hereditary neoplastic syndrome; Tumor predisposition; Hereditary Cancer Syndrome. Identifiers: Orphanet 140162, MedGen C0027672, MeSH D009386, MONDO:0015356.
Melanoma-pancreatic cancer syndrome. Identifiers: Orphanet 404560, MedGen C1838547, MONDO:0011713, OMIM 606719. Disease mechanism: loss of function.

Allele frequency attached by ClinVar (database versions not stated): ExAC 0.00011; 1000 Genomes Project 30x 0.00016; gnomAD 0.00002; 1000 Genomes Project 0.00100.
gnomAD v4.1: 20 of 1,605,242 alleles (0.0012%); highest among the groups gnomAD compares: East Asian, 0.031%; no homozygotes.

Submissions (7):

PreventionGenetics, part of Exact Sciences
Classification: Likely benign for CDKN2A-related condition. Last evaluated: 2025-05-27. Review status: criteria provided, single submitter. Criteria: ACMG Guidelines, 2015. Collection method: clinical testing. Allele origin: germline.
Comment: This variant is classified as likely benign based on ACMG/AMP sequence variant interpretation guidelines (Richards et al. 2015 PMID: 25741868, with internal and published modifications).

Quest Diagnostics Nichols Institute San Juan Capistrano
Classification: Benign. Last evaluated: 2024-11-05. Review status: criteria provided, single submitter. Criteria: Quest Diagnostics criteria. Collection method: clinical testing. Allele origin: unknown.

Myriad Genetics, Inc.
Classification: Uncertain significance for Melanoma-pancreatic cancer syndrome. Last evaluated: 2023-04-21. Review status: criteria provided, single submitter. Criteria: Myriad Autosomal Dominant, Autosomal Recessive and X-Linked Classification Criteria (2023). Collection method: clinical testing. Allele origin: unknown.
Comment: This variant is classified as a variant of uncertain significance as there is insufficient evidence to determine its impact on protein function and/or cancer risk.

Ambry Genetics
Classification: Likely benign for Hereditary cancer-predisposing syndrome. Last evaluated: 2019-12-19. Review status: criteria provided, single submitter. Criteria: Ambry Variant Classification Scheme 2023. Collection method: clinical testing. Allele origin: germline.

GeneDx
Classification: Likely benign. Last evaluated: 2018-11-02. Review status: criteria provided, single submitter. Criteria: GeneDx Variant Classification Process June 2021. Collection method: clinical testing. Allele origin: germline. Affected: yes.

Labcorp Genetics (formerly Invitae), Labcorp
Classification: Likely benign for Familial melanoma. Last evaluated: 2017-03-09. Review status: criteria provided, single submitter. Criteria: Invitae Variant Classification Sherloc (09022015). Collection method: clinical testing. Allele origin: germline.

Counsyl
Classification: Uncertain significance for Melanoma-pancreatic cancer syndrome. Last evaluated: 2018-03-13. Review status: no assertion criteria provided. Collection method: clinical testing. Allele origin: unknown. Not counted in ClinVar's aggregate classification.

NM_058195.4(CDKN2A):c.92C>G (p.Thr31Arg)

Gene: CDKN2A (cyclin dependent kinase inhibitor 2A; minus strand). Cytogenetic location: 9p21.3.
Variant type: single nucleotide variant.
Coding change: c.92C>G on transcript NM_058195.4 (MANE Plus Clinical); coding-DNA position 92, C replaced by G.
Protein change: p.Thr31Arg; replaces threonine 31 with arginine.
Molecular consequence: missense variant. On other transcripts: intron variant (1).
Genome position (GRCh38, 1-based): chr9:21,994,240, G>C on the plus strand (C>G on the coding strand, the complement: CDKN2A is on the minus strand). VCF-style: chr9-21994240-G-C. GRCh37 (hg19) VCF-style: chr9-21994239-G-C.
Other names: c.-4+581C>G (NM_001363763.2); short protein forms T31R.
Identifiers: ClinVar variation 265298 (VCV000265298.18), dbSNP rs528789830, ClinGen allele CA5012391.